The following is an entry in ClinVar:

NM_177965.4(CFAP418):c.296G>C (p.Gly99Ala)

Gene: CFAP418 (cilia and flagella associated protein 418; minus strand). Cytogenetic location: 8q22.1.
Variant type: single nucleotide variant.
Coding change: c.296G>C on transcript NM_177965.4 (MANE Select); coding-DNA position 296, G replaced by C.
Protein change: p.Gly99Ala; replaces glycine 99 with alanine.
Molecular consequence: missense variant.
Genome position (GRCh38, 1-based): chr8:95,260,480, C>G on the plus strand (G>C on the coding strand, the complement: CFAP418 is on the minus strand). VCF-style: chr8-95260480-C-G. GRCh37 (hg19) VCF-style: chr8-96272708-C-G.
Other names: c.296G>C, p.Gly99Ala (NM_001363260.1); short protein forms G99A.
Identifiers: ClinVar variation 4999940 (VCV004999940.1).

ClinVar aggregate classification (germline): Uncertain significance (1 of 4 stars; one submission).

Conditions:
CFAP418-related disorder. Also called: CFAP418-related condition.

Submission:

PreventionGenetics, part of Exact Sciences
Classification: Uncertain significance for CFAP418-related condition. Last evaluated: 2025-05-20. Review status: criteria provided, single submitter. Criteria: ACMG Guidelines, 2015. Collection method: clinical testing. Allele origin: germline.
Comment: The CFAP418 c.296G>C variant is predicted to result in the amino acid substitution p.Gly99Ala. To our knowledge, this variant has not been reported in the literature or in a large population database (gnomAD), indicating this variant is rare. At this time, the clinical significance of this variant is uncertain due to the absence of conclusive functional and genetic evidence.